The following is an entry in ClinVar:

ClinVar aggregate classification (germline): Likely benign. Review status: criteria provided, multiple submitters, no conflicts (2 of 4 stars). 2 submissions from 2 submitters: Likely benign (2). Last evaluated 2023-07-01.

Conditions:
Neurofibromatosis, type 2 (SWNV). Also called: NF2-Related Schwannomatosis; BILATERAL ACOUSTIC NEUROFIBROMATOSIS; SCHWANNOMATOSIS, VESTIBULAR. Identifiers: Orphanet 637, MedGen C0027832, MONDO:0007039, OMIM 101000. Disease mechanism: loss of function.

Allele frequency attached by ClinVar (database versions not stated): 1000 Genomes Project 0.00100; 1000 Genomes Project 30x 0.00141; gnomAD 0.00203 and 0.00210; TOPMed 0.00227; gnomAD exomes 0.00272.
gnomAD v4.1: 458 of 200,800 alleles (0.23%); highest among the groups gnomAD compares: Middle Eastern, 2.2%; 1 homozygote.

Submissions (2):

CeGaT Center for Human Genetics Tuebingen
Classification: Likely benign. Last evaluated: 2023-07-01. Review status: criteria provided, single submitter. Criteria: CeGaT Center For Human Genetics Tuebingen Variant Classification Criteria Version 2. Collection method: clinical testing. Allele origin: germline. Affected: yes. Observed: 14 variant alleles.
Comment: NF2: BS1

Illumina Laboratory Services, Illumina
Classification: Likely benign for Neurofibromatosis, type 2. Last evaluated: 2018-01-13. Review status: criteria provided, single submitter. Criteria: ICSL Variant Classification Criteria 13 December 2019. Collection method: clinical testing. Allele origin: germline.
Comment: This variant was observed in the ICSL laboratory as part of a predisposition screen in an ostensibly healthy population. It had not been previously curated by ICSL or reported in the Human Gene Mutation Database (HGMD: prior to June 1st, 2018), and was therefore a candidate for classification through an automated scoring system. Utilizing variant allele frequency, disease prevalence and penetrance estimates, and inheritance mode, an automated score was calculated to assess if this variant is too frequent to cause the disease. Based on the score and internal cut-off values, a variant classified as likely benign is not then subjected to further curation. The score for this variant resulted in a classification of likely benign for this disease.

NM_000268.4(NF2):c.*2311G>A

Gene: NF2 (NF2, moesin-ezrin-radixin like (MERLIN) tumor suppressor; plus strand). Cytogenetic location: 22q12.2.
Variant type: single nucleotide variant.
Coding change: c.*2311G>A on transcript NM_000268.4 (MANE Select); 2311 bases downstream of the stop codon, G replaced by A.
Molecular consequence: 3 prime UTR variant. On other transcripts: non-coding transcript variant (1).
Genome position (GRCh38, 1-based): chr22:29,697,113, G>A. VCF-style: chr22-29697113-G-A. GRCh37 (hg19) VCF-style: chr22-30093102-G-A.
Other names: c.*2371G>A (NM_016418.5, NM_181828.3, NM_181829.3 and 1 more transcripts); c.*2386G>A (NM_181832.3); c.*2311G>A (NM_181833.3).
Identifiers: ClinVar variation 341142 (VCV000341142.36), dbSNP rs113956497, ClinGen allele CA10654014.